The following is an entry in ClinVar:

NM_018129.4(PNPO):c.264-2A>G

Gene: PNPO (pyridoxamine 5'-phosphate oxidase; plus strand). Cytogenetic location: 17q21.32.
Variant type: single nucleotide variant.
Coding change: c.264-2A>G on transcript NM_018129.4 (MANE Select); the canonical splice acceptor site of the intron before coding-DNA position 264, A replaced by G.
Molecular consequence: splice acceptor variant.
Genome position (GRCh38, 1-based): chr17:47,944,614, A>G. VCF-style: chr17-47944614-A-G. GRCh37 (hg19) VCF-style: chr17-46021980-A-G.
Identifiers: ClinVar variation 409830 (VCV000409830.8), dbSNP rs780977054, ClinGen allele CA16615426.

ClinVar aggregate classification (germline): Likely pathogenic. Review status: criteria provided, multiple submitters, no conflicts (2 of 4 stars). 2 submissions from 2 submitters: Likely pathogenic (2). Last evaluated 2023-03-26.

Conditions:
Pyridoxal phosphate-responsive seizures (PNPOD). Also called: Pyridoxal 5'-Phosphate (PLP)-Dependent Epilepsy; EPILEPTIC ENCEPHALOPATHY, NEONATAL, PNPO-RELATED; Pyridoxamine 5-Prime-Phosphate Oxidase Deficiency; Pyridoxine-5'-phosphate oxidase deficiency; SEIZURES, PYRIDOXINE-RESISTANT, PLP-SENSITIVE. Identifiers: Orphanet 79096, MedGen C1864723, MONDO:0012407, OMIM 610090. Disease mechanism: loss of function.

Allele frequency attached by ClinVar (database versions not stated): gnomAD exomes below 0.00001 and 0.00001.
gnomAD v4.1: 13 of 1,611,350 alleles (0.00081%); highest among the groups gnomAD compares: Non-Finnish European, 0.001%; no homozygotes.

Submissions (2):

Labcorp Genetics (formerly Invitae), Labcorp
Classification: Likely pathogenic for Pyridoxal phosphate-responsive seizures. Last evaluated: 2023-03-26. Review status: criteria provided, single submitter. Criteria: Invitae Variant Classification Sherloc (09022015). Collection method: clinical testing. Allele origin: germline.
Comment: In summary, the currently available evidence indicates that the variant is pathogenic, but additional data are needed to prove that conclusively. Therefore, this variant has been classified as Likely Pathogenic. Algorithms developed to predict the effect of sequence changes on RNA splicing suggest that this variant may disrupt the consensus splice site. ClinVar contains an entry for this variant (Variation ID: 409830). This variant has not been reported in the literature in individuals affected with PNPO-related conditions. This variant is not present in population databases (gnomAD no frequency). This sequence change affects an acceptor splice site in intron 2 of the PNPO gene. It is expected to disrupt RNA splicing. Variants that disrupt the donor or acceptor splice site typically lead to a loss of protein function (PMID: 16199547), and loss-of-function variants in PNPO are known to be pathogenic (PMID: 15772097, 24645144).

Athena Diagnostics
Classification: Likely pathogenic. Last evaluated: 2019-07-03. Review status: criteria provided, single submitter. Criteria: Athena Diagnostics Criteria. Collection method: clinical testing. Allele origin: germline.
Comment: The variant disrupts a canonical splice site, and is therefore predicted to result in the loss of a functional protein. The best available variant frequency is uninformative because there are too few occurrences in population data.

Literature cited by the submitters: PubMed 16199547 (cited by Labcorp Genetics (formerly Invitae), Labcorp); PubMed 15772097 (cited by Labcorp Genetics (formerly Invitae), Labcorp); PubMed 24645144 (cited by Labcorp Genetics (formerly Invitae), Labcorp).